The following is an entry in ClinVar:

ClinVar aggregate classification (germline): Likely pathogenic (1 of 4 stars; one submission).

Conditions:
Pyruvate dehydrogenase E1-beta deficiency (PDHBD). Identifiers: Orphanet 255138, Orphanet 765, MedGen C3279841, MONDO:0013580, OMIM 614111.

Allele frequency attached by ClinVar (database versions not stated): gnomAD exomes below 0.00001.

Submission:

Labcorp Genetics (formerly Invitae), Labcorp
Classification: Likely pathogenic for Pyruvate dehydrogenase E1-beta deficiency. Last evaluated: 2023-10-24. Review status: criteria provided, single submitter. Criteria: Invitae Variant Classification Sherloc (09022015). Collection method: clinical testing. Allele origin: germline.
Comment: This variant results in the deletion of part of exon 1 (c.41_43-12del) of the PDHB gene. It is expected to disrupt RNA splicing. Variants that disrupt the donor or acceptor splice site typically lead to a loss of protein function (PMID: 16199547), and loss-of-function variants in PDHB are known to be pathogenic (PMID: 21914562, 25356417). This variant is not present in population databases (gnomAD no frequency). This variant has not been reported in the literature in individuals affected with PDHB-related conditions. In summary, the currently available evidence indicates that the variant is pathogenic, but additional data are needed to prove that conclusively. Therefore, this variant has been classified as Likely Pathogenic.

Literature cited by the submitters: PubMed 16199547; PubMed 21914562; PubMed 25356417.

NM_000925.4(PDHB):c.41_43-12del

Genes: PDHB (pyruvate dehydrogenase E1 subunit beta; minus strand), LOC129936949 (ATAC-STARR-seq lymphoblastoid active region 20012; plus strand). Cytogenetic location: 3p14.3.
Variant type: Deletion.
Coding change: c.41_43-12del on transcript NM_000925.4 (MANE Select); coding-DNA position 41 through 12 bases into the intron before coding-DNA position 43, 74 bases deleted.
Molecular consequence: splice donor variant. On other transcripts: non-coding transcript variant (1).
Genome position (GRCh38, 1-based): chr3:58,433,696-58,433,769, 74 bases deleted. GRCh37 (hg19): chr3:58,419,423-58,419,496.
Other names: c.41_42+72del (NM_001315536.2); c.41_43-12del (NM_001173468.2).
Identifiers: ClinVar variation 2781131 (VCV002781131.3), dbSNP rs2471374158, ClinGen allele CA2666298204.